The following is an entry in ClinVar:

ClinVar aggregate classification (germline): Uncertain significance (1 of 4 stars; one submission).

Conditions:
Cardiac arrhythmia. Also called: Cardiac rhythm disease; Arrhythmia. Identifiers: MedGen C0003811, MONDO:0007263, HP:0011675.

Submission:

Color Diagnostics, LLC DBA Color Health
Classification: Uncertain significance for Cardiac arrhythmia. Last evaluated: 2025-03-31. Review status: criteria provided, single submitter. Criteria: ACMG Guidelines, 2015. Collection method: clinical testing. Allele origin: germline.
Comment: This missense variant replaces leucine with proline at codon 572 of the KCNQ1 protein. Computational prediction suggests that this variant may have deleterious impact on protein structure and function (internally defined REVEL score threshold >= 0.7, PMID: 27666373). To our knowledge, functional studies have not been reported for this variant. This variant has not been reported in individuals affected with KCNQ1-related disorders in the literature. This variant has not been identified in the general population by the Genome Aggregation Database (gnomAD). The available evidence is insufficient to determine the role of this variant in disease conclusively. Therefore, this variant is classified as a Variant of Uncertain Significance.

NM_000218.3(KCNQ1):c.1715T>C (p.Leu572Pro)

Gene: KCNQ1 (potassium voltage-gated channel subfamily Q member 1; plus strand). Cytogenetic location: 11p15.5.
Variant type: single nucleotide variant.
Coding change: c.1715T>C on transcript NM_000218.3 (MANE Select); coding-DNA position 1715, T replaced by C.
Protein change: p.Leu572Pro; replaces leucine 572 with proline.
Molecular consequence: missense variant.
Genome position (GRCh38, 1-based): chr11:2,777,015, T>C. VCF-style: chr11-2777015-T-C. GRCh37 (hg19) VCF-style: chr11-2798245-T-C.
Other names: c.1619T>C, p.Leu540Pro (NM_001406836.1); c.1445T>C, p.Leu482Pro (NM_001406837.1); c.1175T>C, p.Leu392Pro (NM_001406838.1); c.1334T>C, p.Leu445Pro (NM_181798.2); short protein forms L392P, L445P, L482P, L540P, L572P.
Identifiers: ClinVar variation 3894283 (VCV003894283.1).